The following is an entry in ClinVar:

NM_153704.6(TMEM67):c.641A>G (p.Tyr214Cys)

Gene: TMEM67 (transmembrane protein 67; plus strand). Cytogenetic location: 8q22.1.
Variant type: single nucleotide variant.
Coding change: c.641A>G on transcript NM_153704.6 (MANE Select); coding-DNA position 641, A replaced by G.
Protein change: p.Tyr214Cys; replaces tyrosine 214 with cysteine.
Molecular consequence: missense variant. On other transcripts: non-coding transcript variant (1).
Genome position (GRCh38, 1-based): chr8:93,765,636, A>G. VCF-style: chr8-93765636-A-G. GRCh37 (hg19) VCF-style: chr8-94777864-A-G.
Other names: c.398A>G, p.Tyr133Cys (NM_001142301.1); c.641A>G (NM_153704.5); short protein forms Y133C, Y214C.
Identifiers: ClinVar variation 1436512 (VCV001436512.8), dbSNP rs768183184, ClinGen allele CA4807724.

ClinVar aggregate classification (germline): Uncertain significance. Review status: criteria provided, multiple submitters, no conflicts (2 of 4 stars). 5 submissions from 5 submitters: Uncertain significance (5). Last evaluated 2026-03-10.

Conditions:
TMEM67-related disorder. Also called: TMEM67-related disorders; TMEM67-related condition. Identifiers: MedGen CN239423.
Meckel-Gruber syndrome. Also called: DYSENCEPHALIA SPLANCHNOCYSTICA; GRUBER SYNDROME; Dysencephalia splachnocystica. Identifiers: Orphanet 564, MedGen C0265215, MONDO:0018921.
Joubert syndrome. Also called: JOUBERT-BOLTSHAUSER SYNDROME; Familial aplasia of the vermis. Identifiers: Orphanet 475, MedGen C5979921, MONDO:0018772.
Nephronophthisis 11 (NPHP11). Identifiers: Orphanet 84081, MedGen C3150796, MONDO:0013302, OMIM 613550.
Bardet-Biedl syndrome 14 (BBS14). Identifiers: Orphanet 110, MedGen C2673874, MONDO:0014442, OMIM 615991.
RHYNS syndrome. Also called: RETINITIS PIGMENTOSA SYNDROME; RETINITIS PIGMENTOSA, HYPOPITUITARISM, NEPHRONOPHTHISIS, AND MILD SKELETAL DYSPLASIA. Identifiers: Orphanet 140976, MedGen C1865794, MONDO:0011202, OMIM 602152.
Meckel syndrome, type 3 (MKS3). Also called: MECKEL-GRUBER SYNDROME, TYPE 3. Identifiers: Orphanet 564, MedGen C1846357, MONDO:0011821, OMIM 607361.
Joubert syndrome 6 (JBTS6). Identifiers: Orphanet 475, MedGen C1853153, MONDO:0012539, OMIM 610688.
COACH syndrome 1. Identifiers: Orphanet 1454, MedGen C5435651, MONDO:0800103, OMIM 216360, MONDO:0008996.

Allele frequency attached by ClinVar (database versions not stated): gnomAD exomes 0.00002 and 0.00008.
gnomAD v4.1: 123 of 1,610,662 alleles (0.0076%); highest among the groups gnomAD compares: Non-Finnish European, 0.01%; no homozygotes.

Submissions (5):

PreventionGenetics, part of Exact Sciences
Classification: Uncertain significance for TMEM67-related condition. Last evaluated: 2026-03-10. Review status: criteria provided, single submitter. Criteria: ACMG Guidelines, 2015. Collection method: clinical testing. Allele origin: germline.
Comment: The TMEM67 c.641A>G variant is predicted to result in the amino acid substitution p.Tyr214Cys. This variant has been reported in the compound heterozygous state in an individual with congenital hepatic fibrosis (Vogel et al. 2017. PubMed ID: 28680603). This variant is reported in 0.0044% of alleles in individuals of European (Non-Finnish) descent in gnomAD. At this time, the clinical significance of this variant is uncertain due to the absence of conclusive functional and genetic evidence.

GeneDx
Classification: Uncertain significance. Last evaluated: 2025-05-07. Review status: criteria provided, single submitter. Criteria: GeneDx Variant Classification Process June 2021. Collection method: clinical testing. Allele origin: germline. Affected: yes.
Comment: Not observed at significant frequency in large population cohorts (gnomAD); In silico analysis supports that this missense variant has a deleterious effect on protein structure/function; This variant is associated with the following publications: (PMID: 28680603)

Women's Health and Genetics/Laboratory Corporation of America, LabCorp
Classification: Uncertain significance. Last evaluated: 2024-04-23. Review status: criteria provided, single submitter. Criteria: LabCorp Variant Classification Summary - May 2015. Collection method: clinical testing. Allele origin: germline.
Comment: Variant summary: TMEM67 c.641A>G (p.Tyr214Cys) results in a non-conservative amino acid change in the encoded protein sequence. Five of five in-silico tools predict a damaging effect of the variant on protein function. The variant allele was found at a frequency of 2.4e-05 in 251338 control chromosomes. The available data on variant occurrences in the general population are insufficient to allow any conclusion about variant significance. c.641A>G has been reported in the literature in the compound heterozygous state in an individual affected with congenital hepatic fibrosis, but no additional signs of MeckelGruber or Joubert syndrome (Vogel_2017). These data do not allow any conclusion about variant significance. To our knowledge, no experimental evidence demonstrating an impact on protein function has been reported. The following publication has been ascertained in the context of this evaluation (PMID: 28680603). ClinVar contains an entry for this variant (Variation ID: 1436512). Based on the evidence outlined above, the variant was classified as uncertain significance.

Fulgent Genetics
Classification: Uncertain significance for COACH syndrome 1; RHYNS syndrome; Meckel syndrome, type 3; Joubert syndrome 6; Nephronophthisis 11; Bardet-Biedl syndrome 14. Last evaluated: 2024-02-09. Review status: criteria provided, single submitter. Criteria: ACMG Guidelines, 2015. Collection method: clinical testing. Allele origin: germline.

Labcorp Genetics (formerly Invitae), Labcorp
Classification: Uncertain significance for Joubert syndrome; Meckel-Gruber syndrome. Last evaluated: 2022-08-05. Review status: criteria provided, single submitter. Criteria: Invitae Variant Classification Sherloc (09022015). Collection method: clinical testing. Allele origin: germline.
Comment: This sequence change replaces tyrosine, which is neutral and polar, with cysteine, which is neutral and slightly polar, at codon 214 of the TMEM67 protein (p.Tyr214Cys). This variant is present in population databases (rs768183184, gnomAD 0.004%). This missense change has been observed in individual(s) with TMEM67-related conditions (PMID: 28680603). ClinVar contains an entry for this variant (Variation ID: 1436512). Advanced modeling of protein sequence and biophysical properties (such as structural, functional, and spatial information, amino acid conservation, physicochemical variation, residue mobility, and thermodynamic stability) performed at Invitae indicates that this missense variant is expected to disrupt TMEM67 protein function. In summary, the available evidence is currently insufficient to determine the role of this variant in disease. Therefore, it has been classified as a Variant of Uncertain Significance.

Literature cited by the submitters: PubMed 28680603 (cited by Women's Health and Genetics/Laboratory Corporation of America, LabCorp and Labcorp Genetics (formerly Invitae), Labcorp).